The following is an entry in ClinVar:

ClinVar aggregate classification (germline): Uncertain significance (0 of 4 stars; one submission).

Conditions:
ARID2-related disorder. Also called: ARID2-related condition.

Submission:

PreventionGenetics, part of Exact Sciences
Classification: Uncertain significance for ARID2-related condition. Last evaluated: 2024-04-15. Review status: no assertion criteria provided. Collection method: clinical testing. Allele origin: germline.
Comment: The ARID2 c.1939G>A variant is predicted to result in the amino acid substitution p.Gly647Arg. To our knowledge, this variant has not been reported in the literature or in a large population database, indicating this variant is rare. At this time, the clinical significance of this variant is uncertain due to the absence of conclusive functional and genetic evidence.

NM_152641.4(ARID2):c.1939G>A (p.Gly647Arg)

Gene: ARID2 (AT-rich interaction domain 2; plus strand). Cytogenetic location: 12q12.
Variant type: single nucleotide variant.
Coding change: c.1939G>A on transcript NM_152641.4 (MANE Select); coding-DNA position 1939, G replaced by A.
Protein change: p.Gly647Arg; replaces glycine 647 with arginine.
Molecular consequence: missense variant.
Genome position (GRCh38, 1-based): chr12:45,850,062, G>A. VCF-style: chr12-45850062-G-A. GRCh37 (hg19) VCF-style: chr12-46243845-G-A.
Other names: c.1939G>A, p.Gly647Arg (NM_001347839.2); short protein forms G647R.
Identifiers: ClinVar variation 3346226 (VCV003346226.1).